The following is an entry in ClinVar:

ClinVar aggregate classification (germline): Uncertain significance. Review status: criteria provided, multiple submitters, no conflicts (2 of 4 stars). 2 submissions from 2 submitters: Uncertain significance (2). Last evaluated 2023-12-28.

Conditions:
Inborn genetic diseases. Identifiers: MedGen C0950123, MeSH D030342.

Allele frequency attached by ClinVar (database versions not stated): ExAC 0.00001; gnomAD exomes 0.00001; TOPMed 0.00001.
gnomAD v4.1: 8 of 1,613,712 alleles (0.0005%); highest among the groups gnomAD compares: Middle Eastern, 0.033%; no homozygotes.

Submissions (2):

Ambry Genetics
Classification: Uncertain significance for Inborn genetic diseases. Last evaluated: 2023-12-28. Review status: criteria provided, single submitter. Criteria: Ambry Variant Classification Scheme 2023. Collection method: clinical testing. Allele origin: germline.

Labcorp Genetics (formerly Invitae), Labcorp
Classification: Uncertain significance. Last evaluated: 2023-08-04. Review status: criteria provided, single submitter. Criteria: Invitae Variant Classification Sherloc (09022015). Collection method: clinical testing. Allele origin: germline.
Comment: Advanced modeling of protein sequence and biophysical properties (such as structural, functional, and spatial information, amino acid conservation, physicochemical variation, residue mobility, and thermodynamic stability) performed at Invitae indicates that this missense variant is not expected to disrupt POLR3A protein function. In summary, the available evidence is currently insufficient to determine the role of this variant in disease. Therefore, it has been classified as a Variant of Uncertain Significance. ClinVar contains an entry for this variant (Variation ID: 1505385). This variant has not been reported in the literature in individuals affected with POLR3A-related conditions. This variant is present in population databases (rs775689116, gnomAD 0.0009%). This sequence change replaces lysine, which is basic and polar, with glutamic acid, which is acidic and polar, at codon 526 of the POLR3A protein (p.Lys526Glu).

NM_007055.4(POLR3A):c.1576A>G (p.Lys526Glu)

Gene: POLR3A (RNA polymerase III subunit A; minus strand). Cytogenetic location: 10q22.3.
Variant type: single nucleotide variant.
Coding change: c.1576A>G on transcript NM_007055.4 (MANE Select); coding-DNA position 1576, A replaced by G.
Protein change: p.Lys526Glu; replaces lysine 526 with glutamic acid.
Molecular consequence: missense variant.
Genome position (GRCh38, 1-based): chr10:78,010,537, T>C on the plus strand (A>G on the coding strand, the complement: POLR3A is on the minus strand). VCF-style: chr10-78010537-T-C. GRCh37 (hg19) VCF-style: chr10-79770295-T-C.
Other names: c.1576A>G (NM_007055.3); short protein forms K526E.
Identifiers: ClinVar variation 1505385 (VCV001505385.9), dbSNP rs775689116, ClinGen allele CA5571393.